The following is an entry in ClinVar:

NM_002528.7(NTHL1):c.362G>A (p.Arg121Lys)

Gene: NTHL1 (nth like DNA glycosylase 1; minus strand). Cytogenetic location: 16p13.3.
Variant type: single nucleotide variant.
Coding change: c.362G>A on transcript NM_002528.7 (MANE Select); coding-DNA position 362, G replaced by A.
Protein change: p.Arg121Lys; replaces arginine 121 with lysine.
Molecular consequence: missense variant. On other transcripts: intron variant (1).
Genome position (GRCh38, 1-based): chr16:2,044,793, C>T on the plus strand (G>A on the coding strand, the complement: NTHL1 is on the minus strand). VCF-style: chr16-2044793-C-T. GRCh37 (hg19) VCF-style: chr16-2094794-C-T.
Other names: c.32G>A, p.Arg11Lys (NM_001318194.2); c.355-1067G>A (NM_001318193.2); short protein forms R11K, R121K.
Identifiers: ClinVar variation 1735684 (VCV001735684.3), dbSNP rs777988627, ClinGen allele CA7828276.
Genomic context (GRCh38, chr16:2,044,793, plus strand): 5'-CCCGCCGTCACCTGGTCTTTGGTTTGGCTGGAGAGCATCAGTGACAGCAGCACCTGGTAC[C>T]TGCGTACCTGCTTGTGCAGTGACAGGGACCGGGGTGGCGGCGGGTCCTGGGTGATTCCCT-3'
Protein context (NP_002519.2, residues 111-131): YDSSAPPKVR[Arg121Lys]YQVLLSLMLS

ClinVar aggregate classification (germline): Uncertain significance (1 of 4 stars; one submission).

Conditions:
Hereditary cancer-predisposing syndrome. Also called: Neoplastic Syndromes, Hereditary; Tumor predisposition; Hereditary Cancer Syndrome; Hereditary neoplastic syndrome. Identifiers: Orphanet 140162, MedGen C0027672, MeSH D009386, MONDO:0015356.

Allele frequency attached by ClinVar (database versions not stated): gnomAD exomes below 0.00001; ExAC 0.00001.
gnomAD v4.1: 1 of 1,604,546 alleles (0.000062%); highest among the groups gnomAD compares: South Asian, 0.0011%; no homozygotes.

Submission:

Ambry Genetics
Classification: Uncertain significance for Hereditary cancer-predisposing syndrome. Last evaluated: 2024-10-21. Review status: criteria provided, single submitter. Criteria: Ambry Variant Classification Scheme 2023. Collection method: clinical testing. Allele origin: germline.
Comment: The p.R129K variant (also known as c.386G>A), located in coding exon 3 of the NTHL1 gene, results from a G to A substitution at nucleotide position 386. The arginine at codon 129 is replaced by lysine, an amino acid with highly similar properties. This amino acid position is conserved. In addition, this alteration is predicted to be deleterious by in silico analysis. Since supporting evidence is limited at this time, the clinical significance of this alteration remains unclear.